The following is an entry in ClinVar:

NM_025179.4(PLXNA2):c.2335G>A (p.Val779Met)

Gene: PLXNA2 (plexin A2; minus strand). Cytogenetic location: 1q32.2.
Variant type: single nucleotide variant.
Coding change: c.2335G>A on transcript NM_025179.4 (MANE Select); coding-DNA position 2335, G replaced by A.
Protein change: p.Val779Met; replaces valine 779 with methionine.
Molecular consequence: missense variant.
Genome position (GRCh38, 1-based): chr1:208,082,472, C>T on the plus strand (G>A on the coding strand, the complement: PLXNA2 is on the minus strand). VCF-style: chr1-208082472-C-T. GRCh37 (hg19) VCF-style: chr1-208255817-C-T.
Other names: c.2335G>A (NM_025179.3); short protein forms V779M.
Identifiers: ClinVar variation 2159883 (VCV002159883.7), dbSNP rs200900857, ClinGen allele CA1373559.
Genomic context (GRCh38, chr1:208,082,472, plus strand): 5'-CTTTCAGGTCCTGAGGGTTGTCAATGATGAAATTGCCGTTCCACACCACAGCGAAATCCA[C>T]GGCCAGATTGCTGATGTCCATGCCATCATACTGGTACTATAGGGAGACGGGCAGAGGCAT-3'
Protein context (NP_079455.3, residues 769-789): YDGMDISNLA[Val779Met]DFAVVWNGNF

ClinVar aggregate classification (germline): Uncertain significance. Review status: criteria provided, multiple submitters, no conflicts (2 of 4 stars). 2 submissions from 2 submitters: Uncertain significance (2). Last evaluated 2026-04-02.

Conditions:
PLXNA2-related disorder. Also called: PLXNA2-related condition.

Allele frequency attached by ClinVar (database versions not stated): TOPMed 0.00005; gnomAD 0.00010; gnomAD exomes 0.00012; ExAC 0.00013; ESP Exome Variant Server 0.00015; 1000 Genomes Project 30x 0.00016; 1000 Genomes Project 0.00020.
gnomAD v4.1: 190 of 1,614,072 alleles (0.012%); highest among the groups gnomAD compares: Middle Eastern, 0.017%; no homozygotes.

Submissions (2):

PreventionGenetics, part of Exact Sciences
Classification: Uncertain significance for PLXNA2-related condition. Last evaluated: 2026-04-02. Review status: criteria provided, single submitter. Criteria: ACMG Guidelines, 2015. Collection method: clinical testing. Allele origin: germline.
Comment: The PLXNA2 c.2335G>A variant is predicted to result in the amino acid substitution p.Val779Met. To our knowledge, this variant has not been reported in the literature. This variant is reported in 0.028% of alleles in individuals of European (Finnish) descent in gnomAD. At this time, the clinical significance of this variant is uncertain due to the absence of conclusive functional and genetic evidence.

Labcorp Genetics (formerly Invitae), Labcorp
Classification: Uncertain significance. Last evaluated: 2024-08-12. Review status: criteria provided, single submitter. Criteria: Invitae Variant Classification Sherloc (09022015). Collection method: clinical testing. Allele origin: germline.
Comment: This sequence change replaces valine, which is neutral and non-polar, with methionine, which is neutral and non-polar, at codon 779 of the PLXNA2 protein (p.Val779Met). This variant is present in population databases (rs200900857, gnomAD 0.03%). This variant has not been reported in the literature in individuals affected with PLXNA2-related conditions. ClinVar contains an entry for this variant (Variation ID: 2159883). Advanced modeling of protein sequence and biophysical properties (such as structural, functional, and spatial information, amino acid conservation, physicochemical variation, residue mobility, and thermodynamic stability) performed at Invitae indicates that this missense variant is expected to disrupt PLXNA2 protein function with a positive predictive value of 80%. In summary, the available evidence is currently insufficient to determine the role of this variant in disease. Therefore, it has been classified as a Variant of Uncertain Significance.